The following is an entry in ClinVar:

ClinVar aggregate classification (germline): Likely benign. Review status: criteria provided, multiple submitters, no conflicts (2 of 4 stars). 2 submissions from 2 submitters: Likely benign (2). Last evaluated 2025-04-07.

Allele frequency attached by ClinVar (database versions not stated): gnomAD 0.00001; gnomAD exomes 0.00001; TOPMed 0.00001.
gnomAD v4.1: 19 of 1,614,118 alleles (0.0012%); highest among the groups gnomAD compares: Middle Eastern, 0.016%; no homozygotes.

Submissions (2):

Labcorp Genetics (formerly Invitae), Labcorp
Classification: Likely benign. Last evaluated: 2025-04-07. Review status: criteria provided, single submitter. Criteria: Invitae Variant Classification Sherloc (09022015). Collection method: clinical testing. Allele origin: germline.

CeGaT Center for Human Genetics Tuebingen
Classification: Likely benign. Last evaluated: 2022-05-01. Review status: criteria provided, single submitter. Criteria: CeGaT Center For Human Genetics Tuebingen Variant Classification Criteria Version 2. Collection method: clinical testing. Allele origin: germline. Affected: yes. Observed: 1 variant allele.
Comment: DMP1: BP4, BP7

NM_004407.4(DMP1):c.246A>G (p.Gln82=)

Genes: DMP1 (dentin matrix acidic phosphoprotein 1; plus strand), DMP1-AS1 (DMP1 and DSPP antisense RNA 1; minus strand). Cytogenetic location: 4q22.1.
Variant type: single nucleotide variant.
Coding change: c.246A>G on transcript NM_004407.4 (MANE Select); coding-DNA position 246, A replaced by G.
Protein change: p.Gln82=; no amino-acid change (glutamine 82 retained).
Molecular consequence: synonymous variant.
Genome position (GRCh38, 1-based): chr4:87,662,024, A>G. VCF-style: chr4-87662024-A-G. GRCh37 (hg19) VCF-style: chr4-88583176-A-G.
Other names: c.198A>G, p.Gln66= (NM_001079911.3).
Identifiers: ClinVar variation 1695097 (VCV001695097.34), dbSNP rs1422654841, ClinGen allele CA440297679.